The following is an entry in ClinVar:

NM_005142.3(CBLIF):c.67_68del (p.Gln23fs)

Gene: CBLIF (cobalamin binding intrinsic factor; minus strand). Cytogenetic location: 11q12.1.
Variant type: Deletion.
Coding change: c.67_68del on transcript NM_005142.3 (MANE Select); coding-DNA positions 67 to 68, 2 bases deleted (CA; older notation c.67_68delCA).
Protein change: p.Gln23fs; shifts the reading frame from glutamine 23.
Molecular consequence: frameshift variant.
Genome position (GRCh38, 1-based): chr11:59,845,386-59,845,387, TG deleted on the plus strand (CA on the coding strand, the reverse complement: CBLIF is on the minus strand). VCF-style (leftmost placement, unchanged base first): chr11-59845385-CTG-C. GRCh37 (hg19) VCF-style: chr11-59612858-CTG-C.
Other names: short protein forms Q23fs.
Identifiers: ClinVar variation 3766532 (VCV003766532.1).

ClinVar aggregate classification (germline): Likely pathogenic (1 of 4 stars; one submission).

Conditions:
Hereditary intrinsic factor deficiency (IFD). Also called: PERNICIOUS ANEMIA, CONGENITAL, DUE TO DEFECT OF INTRINSIC FACTOR; Congenital intrinsic factor deficiency. Identifiers: Orphanet 332, MedGen C2062370, MONDO:0009852, OMIM 261000.

Submission:

ARUP Laboratories, Molecular Genetics and Genomics, ARUP Laboratories
Classification: Likely pathogenic for Hereditary intrinsic factor deficiency. Last evaluated: 2024-03-27. Review status: criteria provided, single submitter. Criteria: ARUP Molecular Germline Variant Investigation Process 2024. Collection method: clinical testing. Allele origin: germline.
Comment: The CBLIF c.67_68del; p.Gln23GlufsTer86 variant (rs1323772405), to our knowledge, is not reported in the medical literature or gene specific databases. This variant is only observed on one allele in the Genome Aggregation Database (v2.1.1), indicating it is not a common polymorphism. This variant causes a frameshift by deleting 2 nucleotides, so it is predicted to result in a truncated protein or mRNA subject to nonsense-mediated decay. Based on available information, this variant is considered to be likely pathogenic.